The following is an entry in ClinVar:

ClinVar aggregate classification (germline): Uncertain significance (1 of 4 stars; one submission).

Allele frequency attached by ClinVar (database versions not stated): ExAC 0.00001; gnomAD 0.00001; gnomAD exomes 0.00001.
gnomAD v4.1: 5 of 1,614,010 alleles (0.00031%); highest among the groups gnomAD compares: Admixed American, 0.005%; no homozygotes.

Submission:

Labcorp Genetics (formerly Invitae), Labcorp
Classification: Uncertain significance. Last evaluated: 2022-11-22. Review status: criteria provided, single submitter. Criteria: Invitae Variant Classification Sherloc (09022015). Collection method: clinical testing. Allele origin: germline.
Comment: In summary, the available evidence is currently insufficient to determine the role of this variant in disease. Therefore, it has been classified as a Variant of Uncertain Significance. Advanced modeling of protein sequence and biophysical properties (such as structural, functional, and spatial information, amino acid conservation, physicochemical variation, residue mobility, and thermodynamic stability) performed at Invitae indicates that this missense variant is expected to disrupt C9 protein function. ClinVar contains an entry for this variant (Variation ID: 1408386). This variant has not been reported in the literature in individuals affected with C9-related conditions. This variant is present in population databases (rs755516630, gnomAD 0.0009%). This sequence change replaces alanine, which is neutral and non-polar, with glutamic acid, which is acidic and polar, at codon 156 of the C9 protein (p.Ala156Glu).

NM_001737.5(C9):c.467C>A (p.Ala156Glu)

Gene: C9 (complement C9; minus strand). Cytogenetic location: 5p13.1.
Variant type: single nucleotide variant.
Coding change: c.467C>A on transcript NM_001737.5 (MANE Select); coding-DNA position 467, C replaced by A.
Protein change: p.Ala156Glu; replaces alanine 156 with glutamic acid.
Molecular consequence: missense variant.
Genome position (GRCh38, 1-based): chr5:39,341,155, G>T on the plus strand (C>A on the coding strand, the complement: C9 is on the minus strand). VCF-style: chr5-39341155-G-T. GRCh37 (hg19) VCF-style: chr5-39341257-G-T.
Other names: short protein forms A156E.
Identifiers: ClinVar variation 1408386 (VCV001408386.9), dbSNP rs755516630, ClinGen allele CA3247005.